The following is an entry in ClinVar:

ClinVar aggregate classification (germline): Pathogenic/Likely pathogenic. Review status: criteria provided, multiple submitters, no conflicts (2 of 4 stars). 2 submissions from 2 submitters: Pathogenic (1); Likely pathogenic (1). Last evaluated 2022-07-21.

Conditions:
Duchenne muscular dystrophy (DMD). Also called: Duchenne Muscular Dystrophy (DMD); MUSCULAR DYSTROPHY, PSEUDOHYPERTROPHIC PROGRESSIVE, DUCHENNE TYPE. Identifiers: Orphanet 98896, MedGen C0013264, MONDO:0010679, OMIM 310200.

Submissions (2):

Labcorp Genetics (formerly Invitae), Labcorp
Classification: Pathogenic for Duchenne muscular dystrophy. Last evaluated: 2022-07-21. Review status: criteria provided, single submitter. Criteria: Invitae Variant Classification Sherloc (09022015). Collection method: clinical testing. Allele origin: germline.
Comment: For these reasons, this variant has been classified as Pathogenic. ClinVar contains an entry for this variant (Variation ID: 803935). This variant has not been reported in the literature in individuals affected with DMD-related conditions. This variant is not present in population databases (gnomAD no frequency). This sequence change creates a premature translational stop signal (p.Asp377Thrfs*10) in the DMD gene. It is expected to result in an absent or disrupted protein product. Loss-of-function variants in DMD are known to be pathogenic (PMID: 16770791, 25007885).

Mendelics
Classification: Likely pathogenic for Duchenne muscular dystrophy. Last evaluated: 2019-05-28. Review status: criteria provided, single submitter. Criteria: Mendelics Assertion Criteria 2017. Collection method: clinical testing. Allele origin: unknown.

Literature cited by the submitters: PubMed 16770791 (cited by Labcorp Genetics (formerly Invitae), Labcorp); PubMed 25007885 (cited by Labcorp Genetics (formerly Invitae), Labcorp).

NM_004006.3(DMD):c.1129del (p.Asp377fs)

Gene: DMD (dystrophin; minus strand). Cytogenetic location: Xp21.1.
Variant type: Deletion.
Coding change: c.1129del on transcript NM_004006.3 (MANE Select); coding-DNA position 1129, one base deleted (G; older notation c.1129delG).
Protein change: p.Asp377fs; shifts the reading frame from aspartic acid 377.
Molecular consequence: frameshift variant.
Genome position (GRCh38, 1-based): chrX:32,644,984, C deleted on the plus strand (G on the coding strand, the reverse complement: DMD is on the minus strand). VCF-style (leftmost placement, unchanged base first): chrX-32644983-TC-T. GRCh37 (hg19) VCF-style: chrX-32663100-TC-T.
Other names: c.1105del, p.Asp369fs (NM_000109.4); c.1117del, p.Asp373fs (NM_004009.3); c.760del, p.Asp254fs (NM_004010.3); short protein forms D254fs, D373fs, D377fs, D369fs.
Identifiers: ClinVar variation 803935 (VCV000803935.6), dbSNP rs1602467787, ClinGen allele CA915950945.